The following is an entry in ClinVar:

NM_001130144.3(LTBP3):c.3893T>A (p.Val1298Asp)

Gene: LTBP3 (latent transforming growth factor beta binding protein 3; minus strand). Cytogenetic location: 11q13.1.
Variant type: single nucleotide variant.
Coding change: c.3893T>A on transcript NM_001130144.3 (MANE Select); coding-DNA position 3893, T replaced by A.
Protein change: p.Val1298Asp; replaces valine 1298 with aspartic acid.
Molecular consequence: missense variant.
Genome position (GRCh38, 1-based): chr11:65,539,099, A>T on the plus strand (T>A on the coding strand, the complement: LTBP3 is on the minus strand). VCF-style: chr11-65539099-A-T. GRCh37 (hg19) VCF-style: chr11-65306570-A-T.
Other names: c.3401T>A, p.Val1134Asp (NM_001164266.1); c.3752T>A, p.Val1251Asp (NM_021070.4); short protein forms V1134D, V1251D, V1298D.
Identifiers: ClinVar variation 4859314 (VCV004859314.1).

ClinVar aggregate classification (germline): Uncertain significance (1 of 4 stars; one submission).

Conditions:
Inborn genetic diseases. Identifiers: MedGen C0950123, MeSH D030342.

gnomAD v4.1: 1 of 1,448,962 alleles (0.000069%); highest among the groups gnomAD compares: Non-Finnish European, 0.000091%; no homozygotes.

Submission:

Ambry Genetics
Classification: Uncertain significance for Inborn genetic diseases. Last evaluated: 2026-04-20. Review status: criteria provided, single submitter. Criteria: Ambry Variant Classification Scheme 2023. Collection method: clinical testing. Allele origin: germline.
Comment: The p.V1298D variant (also known as c.3893T>A), located in coding exon 28 of the LTBP3 gene, results from a T to A substitution at nucleotide position 3893. The valine at codon 1298 is replaced by aspartic acid, an amino acid with highly dissimilar properties. This amino acid position is conserved. In addition, the in silico prediction for this alteration is inconclusive. Based on the available evidence, the clinical significance of this variant remains unclear.